The following is an entry in ClinVar:

ClinVar aggregate classification (germline): Likely pathogenic (1 of 4 stars; one submission).

Conditions:
Primary ciliary dyskinesia 7. Also called: CILIARY DYSKINESIA, PRIMARY, 7, WITH OR WITHOUT SITUS INVERSUS. Identifiers: Orphanet 244, MedGen C2678473, MONDO:0012748, OMIM 611884.

gnomAD v4.1: 3 of 1,533,826 alleles (0.0002%); highest among the groups gnomAD compares: Non-Finnish European, 0.00026%; no homozygotes.

Submission:

Broad Center for Mendelian Genomics, Broad Institute of MIT and Harvard
Classification: Likely pathogenic for Primary ciliary dyskinesia 7. Last evaluated: 2025-02-19. Review status: criteria provided, single submitter. Criteria: ACMG Guidelines, 2015. Collection method: curation. Allele origin: germline. Inheritance: Autosomal recessive inheritance.
Comment: The c.9103-2A>C variant in DNAH11 has been reported in 2 individuals with primary ciliary dyskinesia (PMID: 24450482), and has been identified in 0.0003% (3/1139512) of European (non-Finnish) chromosomes by the Genome Aggregation Database (gnomAD). Although this variant has been seen in the general population in a heterozygous state, its frequency is low enough to be consistent with a recessive carrier frequency. This variant is located in the 5' splice region. SpliceAI predictions indicate use of an out-of-frame cryptic splice site 4 bases from the intron-exon boundary, providing evidence that this variant may cause a frameshift and lead to a premature termination codon downstream. This alteration is then predicted to lead to a truncated or absent protein. However, this information is not predictive enough to determine pathogenicity. Loss of function of the DNAH11 gene is an established disease mechanism in autosomal recessive primary ciliary dyskinesia. In summary, although additional studies are required to fully establish its clinical significance, this variant is likely pathogenic for autosomal recessive primary ciliary dyskinesia. ACMG/AMP Criteria applied: PVS1, PM2_supporting (Richards 2015).

NM_001277115.2(DNAH11):c.9103-2A>C

Gene: DNAH11 (dynein axonemal heavy chain 11; plus strand). Cytogenetic location: 7p15.3.
Variant type: single nucleotide variant.
Coding change: c.9103-2A>C on transcript NM_001277115.2 (MANE Select); the canonical splice acceptor site of the intron before coding-DNA position 9103, A replaced by C.
Molecular consequence: splice acceptor variant.
Genome position (GRCh38, 1-based): chr7:21,773,764, A>C. VCF-style: chr7-21773764-A-C. GRCh37 (hg19) VCF-style: chr7-21813382-A-C.
Other names: NM_001277115.2:c.9103-2A>C.
Identifiers: ClinVar variation 3776940 (VCV003776940.1).